The following is an entry in ClinVar:

ClinVar aggregate classification (germline): Conflicting classifications of pathogenicity. Review status: criteria provided, conflicting classifications (1 of 4 stars). 4 submissions from 4 submitters: Uncertain significance (1); Likely benign (2). 1 of the submissions does not count toward it. Last evaluated 2025-04-17.

Conditions:
Inborn genetic diseases. Identifiers: MedGen C0950123, MeSH D030342.
RAI1-related disorder. Also called: RAI1-related condition.

Allele frequency attached by ClinVar (database versions not stated): gnomAD 0.00001; gnomAD exomes 0.00001; TOPMed 0.00002.
gnomAD v4.1: 13 of 1,613,718 alleles (0.00081%); highest among the groups gnomAD compares: Admixed American, 0.0017%; no homozygotes.

Submissions (4):

Ambry Genetics
Classification: Likely benign for Inborn genetic diseases. Last evaluated: 2025-04-17. Review status: criteria provided, single submitter. Criteria: Ambry Variant Classification Scheme 2023. Collection method: clinical testing. Allele origin: germline.

CeGaT Center for Human Genetics Tuebingen
Classification: Likely benign. Last evaluated: 2024-09-01. Review status: criteria provided, single submitter. Criteria: CeGaT Center For Human Genetics Tuebingen Variant Classification Criteria Version 2. Collection method: clinical testing. Allele origin: germline. Affected: yes. Observed: 1 variant allele.
Comment: RAI1: BP4

Labcorp Genetics (formerly Invitae), Labcorp
Classification: Uncertain significance. Last evaluated: 2024-05-14. Review status: criteria provided, single submitter. Criteria: Invitae Variant Classification Sherloc (09022015). Collection method: clinical testing. Allele origin: germline.
Comment: This sequence change replaces glutamine, which is neutral and polar, with proline, which is neutral and non-polar, at codon 410 of the RAI1 protein (p.Gln410Pro). This variant is present in population databases (rs199885507, gnomAD 0.002%). This variant has not been reported in the literature in individuals affected with RAI1-related conditions. Advanced modeling of protein sequence and biophysical properties (such as structural, functional, and spatial information, amino acid conservation, physicochemical variation, residue mobility, and thermodynamic stability) performed at Invitae indicates that this missense variant is not expected to disrupt RAI1 protein function with a negative predictive value of 80%. In summary, the available evidence is currently insufficient to determine the role of this variant in disease. Therefore, it has been classified as a Variant of Uncertain Significance.

PreventionGenetics, part of Exact Sciences
Classification: Uncertain significance for RAI1-related condition. Last evaluated: 2024-09-24. Review status: no assertion criteria provided. Collection method: clinical testing. Allele origin: germline. Not counted in ClinVar's aggregate classification.
Comment: The RAI1 c.1229A>C variant is predicted to result in the amino acid substitution p.Gln410Pro. To our knowledge, this variant has not been reported in the literature. This variant is reported in 0.0018% of alleles in individuals of European (Non-Finnish) descent in gnomAD. At this time, the clinical significance of this variant is uncertain due to the absence of conclusive functional and genetic evidence.

NM_030665.4(RAI1):c.1229A>C (p.Gln410Pro)

Gene: RAI1 (retinoic acid induced 1; plus strand). Cytogenetic location: 17p11.2.
Variant type: single nucleotide variant.
Coding change: c.1229A>C on transcript NM_030665.4 (MANE Select); coding-DNA position 1229, A replaced by C.
Protein change: p.Gln410Pro; replaces glutamine 410 with proline.
Molecular consequence: missense variant.
Genome position (GRCh38, 1-based): chr17:17,794,177, A>C. VCF-style: chr17-17794177-A-C. GRCh37 (hg19) VCF-style: chr17-17697491-A-C.
Other names: c.1229A>C (NM_030665.3); short protein forms Q410P.
Identifiers: ClinVar variation 2769090 (VCV002769090.18), dbSNP rs199885507, ClinGen allele CA288367598.